The following is an entry in ClinVar:

NM_000368.5(TSC1):c.212A>G (p.His71Arg)

Gene: TSC1 (TSC complex subunit 1; minus strand). Cytogenetic location: 9q34.13.
Variant type: single nucleotide variant.
Coding change: c.212A>G on transcript NM_000368.5 (MANE Select); coding-DNA position 212, A replaced by G.
Protein change: p.His71Arg; replaces histidine 71 with arginine.
Molecular consequence: missense variant. On other transcripts: 5 prime UTR variant (1), intron variant (1).
Genome position (GRCh38, 1-based): chr9:132,925,738, T>C on the plus strand (A>G on the coding strand, the complement: TSC1 is on the minus strand). VCF-style: chr9-132925738-T-C. GRCh37 (hg19) VCF-style: chr9-135801125-T-C.
Other names: c.212A>G, p.His71Arg (NM_001162426.2); c.-152A>G (NM_001362177.2); c.210+1463A>G (NM_001162427.2); short protein forms H71R.
Identifiers: ClinVar variation 1518990 (VCV001518990.6), dbSNP rs1588355896, ClinGen allele CA375374884.

ClinVar aggregate classification (germline): Uncertain significance (1 of 4 stars; one submission).

Conditions:
Tuberous sclerosis 1 (TSC1). Identifiers: Orphanet 805, MedGen C1854465, MONDO:0008612, OMIM 191100.

Submission:

Labcorp Genetics (formerly Invitae), Labcorp
Classification: Uncertain significance for Tuberous sclerosis 1. Last evaluated: 2021-10-25. Review status: criteria provided, single submitter. Criteria: Invitae Variant Classification Sherloc (09022015). Collection method: clinical testing. Allele origin: germline.
Comment: In summary, the available evidence is currently insufficient to determine the role of this variant in disease. Therefore, it has been classified as a Variant of Uncertain Significance. Algorithms developed to predict the effect of missense changes on protein structure and function are either unavailable or do not agree on the potential impact of this missense change (SIFT: "Tolerated"; PolyPhen-2: "Probably Damaging"; Align-GVGD: "Class C0"). This variant has not been reported in the literature in individuals affected with TSC1-related conditions. This variant is not present in population databases (ExAC no frequency). This sequence change replaces histidine with arginine at codon 71 of the TSC1 protein (p.His71Arg). The histidine residue is moderately conserved and there is a small physicochemical difference between histidine and arginine.